The following is an entry in ClinVar:

NM_001378615.1(CC2D2A):c.491C>G (p.Ser164Ter)

Genes: CC2D2A (coiled-coil and C2 domain containing 2A; plus strand), FBXL5 (F-box and leucine rich repeat protein 5; minus strand). Cytogenetic location: 4p15.32.
Variant type: single nucleotide variant.
Coding change: c.491C>G on transcript NM_001378615.1 (MANE Select); coding-DNA position 491, C replaced by G.
Protein change: p.Ser164Ter; replaces serine 164 with a stop codon.
Molecular consequence: nonsense.
Genome position (GRCh38, 1-based): chr4:15,510,191, C>G. VCF-style: chr4-15510191-C-G. GRCh37 (hg19) VCF-style: chr4-15511814-C-G.
Other names: c.491C>G, p.Ser164Ter (NM_001080522.2); c.344C>G, p.Ser115Ter (NM_001378617.1); short protein forms S115*, S164*.
Identifiers: ClinVar variation 5015469 (VCV005015469.1).

ClinVar aggregate classification (germline): Pathogenic (1 of 4 stars; one submission).

Conditions:
Joubert syndrome and related disorders. Identifiers: Orphanet 140874, MedGen C5679612, MONDO:0015369.

Submission:

Myriad Genetics, Inc.
Classification: Pathogenic for Joubert syndrome and related disorders. Last evaluated: 2026-01-23. Review status: criteria provided, single submitter. Criteria: Myriad Autosomal Dominant, Autosomal Recessive and X-Linked Classification Criteria (2023). Collection method: clinical testing. Allele origin: unknown.
Comment: NM_001080522.2(CC2D2A):c.491C>G(S164*) is expected to be pathogenic in the context of CC2D2A-related disorders. This variant is predicted to lead to an abnormal or absent protein product due to the creation of a premature termination codon in CC2D2A, a gene where loss-of-function variants are known to be pathogenic. Please note: this variant was assessed in the context of healthy population screening.